The following is an entry in ClinVar:

ClinVar aggregate classification (germline): Conflicting classifications of pathogenicity. Review status: criteria provided, conflicting classifications (1 of 4 stars). 2 submissions from 2 submitters: Uncertain significance (1); Likely benign (1). Last evaluated 2023-09-01.

Conditions:
Inborn genetic diseases. Identifiers: MedGen C0950123, MeSH D030342.

Allele frequency attached by ClinVar (database versions not stated): gnomAD exomes 0.00001.
gnomAD v4.1: 20 of 1,614,098 alleles (0.0012%); highest among the groups gnomAD compares: South Asian, 0.0055%; no homozygotes.

Submissions (2):

CeGaT Center for Human Genetics Tuebingen
Classification: Uncertain significance. Last evaluated: 2023-09-01. Review status: criteria provided, single submitter. Criteria: CeGaT Center For Human Genetics Tuebingen Variant Classification Criteria Version 2. Collection method: clinical testing. Allele origin: germline. Affected: yes. Observed: 1 variant allele.
Comment: SRCAP: PM2, PS2:Supporting

Ambry Genetics
Classification: Likely benign for Inborn genetic diseases. Last evaluated: 2022-06-24. Review status: criteria provided, single submitter. Criteria: Ambry Variant Classification Scheme 2023. Collection method: clinical testing. Allele origin: germline.

NM_006662.3(SRCAP):c.5708G>A (p.Arg1903Gln)

Gene: SRCAP (Snf2 related CREBBP activator protein; plus strand). Cytogenetic location: 16p11.2.
Variant type: single nucleotide variant.
Coding change: c.5708G>A on transcript NM_006662.3 (MANE Select); coding-DNA position 5708, G replaced by A.
Protein change: p.Arg1903Gln; replaces arginine 1903 with glutamine.
Molecular consequence: missense variant.
Genome position (GRCh38, 1-based): chr16:30,729,015, G>A. VCF-style: chr16-30729015-G-A. GRCh37 (hg19) VCF-style: chr16-30740336-G-A.
Other names: short protein forms R1903Q.
Identifiers: ClinVar variation 2297043 (VCV002297043.27), dbSNP rs1327297904, ClinGen allele CA395621162.